The following is an entry in ClinVar:

NM_201253.3(CRB1):c.454T>C (p.Cys152Arg)

Gene: CRB1 (crumbs cell polarity complex component 1; plus strand). Cytogenetic location: 1q31.3.
Variant type: single nucleotide variant.
Coding change: c.454T>C on transcript NM_201253.3 (MANE Select); coding-DNA position 454, T replaced by C.
Protein change: p.Cys152Arg; replaces cysteine 152 with arginine.
Molecular consequence: missense variant. On other transcripts: non-coding transcript variant (2).
Genome position (GRCh38, 1-based): chr1:197,328,805, T>C. VCF-style: chr1-197328805-T-C. GRCh37 (hg19) VCF-style: chr1-197297935-T-C.
Other names: c.454T>C, p.Cys152Arg (NM_001193640.2, NM_001257966.2); c.247T>C, p.Cys83Arg (NM_001257965.2); short protein forms C152R, C83R.
Identifiers: ClinVar variation 2926964 (VCV002926964.3), dbSNP rs2465030529, ClinGen allele CA344085810.

ClinVar aggregate classification (germline): Likely pathogenic (1 of 4 stars; one submission).

Conditions:
Retinitis pigmentosa 12 (RP12). Also called: RP WITH OR WITHOUT PRESERVED PARAARTERIOLE RETINAL PIGMENT EPITHELIUM; RETINITIS PIGMENTOSA WITH OR WITHOUT PARAARTERIOLAR PRESERVATION OF RETINAL PIGMENT EPITHELIUM; RP WITH OR WITHOUT PPRPE. Identifiers: Orphanet 791, MedGen C1838647, MONDO:0010818, OMIM 600105.
Leber congenital amaurosis 8 (LCA8). Identifiers: Orphanet 65, MedGen C3151202, MONDO:0013453, OMIM 613835.

Submission:

Labcorp Genetics (formerly Invitae), Labcorp
Classification: Likely pathogenic for Leber congenital amaurosis 8; Retinitis pigmentosa 12. Last evaluated: 2023-08-19. Review status: criteria provided, single submitter. Criteria: Invitae Variant Classification Sherloc (09022015). Collection method: clinical testing. Allele origin: germline.
Comment: Advanced modeling of protein sequence and biophysical properties (such as structural, functional, and spatial information, amino acid conservation, physicochemical variation, residue mobility, and thermodynamic stability) performed at Invitae indicates that this missense variant is expected to disrupt CRB1 protein function. This variant disrupts the p.Cys152 amino acid residue in CRB1. Other variant(s) that disrupt this residue have been determined to be pathogenic (PMID: 23449718, 25356976). This suggests that this residue is clinically significant, and that variants that disrupt this residue are likely to be disease-causing. In summary, the currently available evidence indicates that the variant is pathogenic, but additional data are needed to prove that conclusively. Therefore, this variant has been classified as Likely Pathogenic. This sequence change replaces cysteine, which is neutral and slightly polar, with arginine, which is basic and polar, at codon 152 of the CRB1 protein (p.Cys152Arg). This variant is not present in population databases (gnomAD no frequency). This variant has not been reported in the literature in individuals affected with CRB1-related conditions.

Literature cited by the submitters: PubMed 23449718; PubMed 25356976.